The following is an entry in ClinVar:

ClinVar aggregate classification (germline): Benign/Likely benign. Review status: criteria provided, multiple submitters, no conflicts (2 of 4 stars). 5 submissions from 5 submitters: Benign (3); Likely benign (1). 1 of the submissions does not count toward it. Last evaluated 2026-01-31.

Conditions:
CEP164-related disorder. Also called: CEP164-related condition.
Nephronophthisis 15 (NPHP15). Identifiers: Orphanet 3156, MedGen C3541853, MONDO:0013917, OMIM 614845.

Allele frequency attached by ClinVar (database versions not stated): gnomAD exomes 0.00027 and 0.00067; ExAC 0.00086; 1000 Genomes Project 30x 0.00172; 1000 Genomes Project 0.00200; ESP Exome Variant Server 0.00269; gnomAD 0.00289 and 0.00313; TOPMed 0.00323.

Submissions (5):

Labcorp Genetics (formerly Invitae), Labcorp
Classification: Benign for Nephronophthisis 15. Last evaluated: 2026-01-31. Review status: criteria provided, single submitter. Criteria: Invitae Variant Classification Sherloc (09022015). Collection method: clinical testing. Allele origin: germline.

Blueprint Genetics
Classification: Likely benign. Last evaluated: 2024-10-09. Review status: criteria provided, single submitter. Criteria: ACMG Guidelines, 2015. Collection method: clinical testing. Allele origin: germline.

Eurofins Ntd Llc (ga)
Classification: Benign. Last evaluated: 2016-10-26. Review status: criteria provided, single submitter. Criteria: EGL Classification Definitions 2015. Collection method: clinical testing. Allele origin: germline. Observed: 2 variant alleles, 2 heterozygotes.

Breakthrough Genomics
Classification: Benign. Review status: criteria provided, single submitter. Criteria: ACMG Guidelines, 2015. Collection method: not provided. Allele origin: germline. Inheritance: Autosomal recessive inheritance. Affected: yes.

PreventionGenetics, part of Exact Sciences
Classification: Benign for CEP164-related condition. Last evaluated: 2019-03-26. Review status: no assertion criteria provided. Collection method: clinical testing. Allele origin: germline. Not counted in ClinVar's aggregate classification.
Comment: This variant is classified as benign based on ACMG/AMP sequence variant interpretation guidelines (Richards et al. 2015 PMID: 25741868, with internal and published modifications).

NM_014956.5(CEP164):c.1639G>A (p.Glu547Lys)

Gene: CEP164 (centrosomal protein 164; plus strand). Cytogenetic location: 11q23.3.
Variant type: single nucleotide variant.
Coding change: c.1639G>A on transcript NM_014956.5 (MANE Select); coding-DNA position 1639, G replaced by A.
Protein change: p.Glu547Lys; replaces glutamic acid 547 with lysine.
Molecular consequence: missense variant.
Genome position (GRCh38, 1-based): chr11:117,382,857, G>A. VCF-style: chr11-117382857-G-A. GRCh37 (hg19) VCF-style: chr11-117253573-G-A.
Other names: c.1648G>A, p.Glu550Lys (NM_001271933.2); short protein forms E547K, E550K.
Identifiers: ClinVar variation 194410 (VCV000194410.19), dbSNP rs116343381, ClinGen allele CA240341.